The following is an entry in ClinVar:

NM_001164508.2(NEB):c.9724-5C>T

Gene: NEB (nebulin; minus strand). Cytogenetic location: 2q23.3.
Variant type: single nucleotide variant.
Coding change: c.9724-5C>T on transcript NM_001164508.2 (MANE Select); 5 bases into the intron before coding-DNA position 9724, C replaced by T.
Molecular consequence: intron variant.
Genome position (GRCh38, 1-based): chr2:151,629,651, G>A on the plus strand (C>T on the coding strand, the complement: NEB is on the minus strand). VCF-style: chr2-151629651-G-A. GRCh37 (hg19) VCF-style: chr2-152486165-G-A.
Other names: c.8995-5C>T (NM_004543.5); c.9724-5C>T (NM_001164507.2, NM_001271208.2).
Identifiers: ClinVar variation 515856 (VCV000515856.1), dbSNP rs1553934604, ClinGen allele CA658795888.

ClinVar aggregate classification (germline): Likely benign (1 of 4 stars; one submission).

Submission:

GeneDx
Classification: Likely benign. Last evaluated: 2018-03-01. Review status: criteria provided, single submitter. Criteria: GeneDx Variant Classification (06012015). Collection method: clinical testing. Allele origin: germline. Affected: yes.
Comment: This variant is considered likely benign or benign based on one or more of the following criteria: it is a conservative change, it occurs at a poorly conserved position in the protein, it is predicted to be benign by multiple in silico algorithms, and/or has population frequency not consistent with disease.